The following is an entry in ClinVar:

ClinVar aggregate classification (germline): Benign/Likely benign. Review status: criteria provided, multiple submitters, no conflicts (2 of 4 stars). 3 submissions from 3 submitters: Benign (1); Likely benign (2). Last evaluated 2024-10-19.

Conditions:
Hereditary cancer-predisposing syndrome. Also called: Neoplastic Syndromes, Hereditary; Hereditary neoplastic syndrome; Tumor predisposition; Hereditary Cancer Syndrome. Identifiers: Orphanet 140162, MedGen C0027672, MeSH D009386, MONDO:0015356.
Hereditary diffuse gastric adenocarcinoma (HDGC). Also called: DIFFUSE GASTRIC AND LOBULAR BREAST CANCER SYNDROME. Identifiers: Orphanet 26106, MedGen C1708349, MONDO:0007648, OMIM 137215.

Allele frequency attached by ClinVar (database versions not stated): gnomAD exomes below 0.00001.
gnomAD v4.1: 2 of 1,614,094 alleles (0.00012%); highest among the groups gnomAD compares: Non-Finnish European, 0.000085%; no homozygotes.

Submissions (3):

Ambry Genetics
Classification: Likely benign for Hereditary cancer-predisposing syndrome. Last evaluated: 2024-10-19. Review status: criteria provided, single submitter. Criteria: Ambry Variant Classification Scheme 2023. Collection method: clinical testing. Allele origin: germline.

Myriad Genetics, Inc.
Classification: Benign for Hereditary diffuse gastric adenocarcinoma. Last evaluated: 2024-09-17. Review status: criteria provided, single submitter. Criteria: Myriad Autosomal Dominant, Autosomal Recessive and X-Linked Classification Criteria (2023). Collection method: clinical testing. Allele origin: unknown.
Comment: This variant is considered benign. This variant is a silent/synonymous amino acid change and it is not expected to impact splicing.

Labcorp Genetics (formerly Invitae), Labcorp
Classification: Likely benign for Hereditary diffuse gastric adenocarcinoma. Last evaluated: 2023-11-07. Review status: criteria provided, single submitter. Criteria: Invitae Variant Classification Sherloc (09022015). Collection method: clinical testing. Allele origin: germline.

NM_004360.5(CDH1):c.1002C>T (p.Asp334=)

Gene: CDH1 (cadherin 1; plus strand). Cytogenetic location: 16q22.1.
Variant type: single nucleotide variant.
Coding change: c.1002C>T on transcript NM_004360.5 (MANE Select); coding-DNA position 1002, C replaced by T.
Protein change: p.Asp334=; no amino-acid change (aspartic acid 334 retained).
Molecular consequence: synonymous variant. On other transcripts: 5 prime UTR variant (2).
Genome position (GRCh38, 1-based): chr16:68,811,853, C>T. VCF-style: chr16-68811853-C-T. GRCh37 (hg19) VCF-style: chr16-68845756-C-T.
Other names: c.-614C>T (NM_001317185.2); c.-818C>T (NM_001317186.2); c.1002C>T, p.Asp334= (NM_001317184.2).
Identifiers: ClinVar variation 792770 (VCV000792770.13), dbSNP rs761981219, ClinGen allele CA496152993.